The following is an entry in ClinVar:

ClinVar aggregate classification (germline): Uncertain significance (1 of 4 stars; one submission).

Submission:

Labcorp Genetics (formerly Invitae), Labcorp
Classification: Uncertain significance. Last evaluated: 2022-07-31. Review status: criteria provided, single submitter. Criteria: Invitae Variant Classification Sherloc (09022015). Collection method: clinical testing. Allele origin: germline.
Comment: This variant is not present in population databases (gnomAD no frequency). This variant has not been reported in the literature in individuals affected with MYLK3-related conditions. Algorithms developed to predict the effect of missense changes on protein structure and function (SIFT, PolyPhen-2, Align-GVGD) all suggest that this variant is likely to be tolerated. In summary, the available evidence is currently insufficient to determine the role of this variant in disease. Therefore, it has been classified as a Variant of Uncertain Significance. This sequence change replaces methionine, which is neutral and non-polar, with arginine, which is basic and polar, at codon 476 of the MYLK3 protein (p.Met476Arg).

NM_182493.3(MYLK3):c.1427T>G (p.Met476Arg)

Gene: MYLK3 (myosin light chain kinase 3; minus strand). Cytogenetic location: 16q11.2.
Variant type: single nucleotide variant.
Coding change: c.1427T>G on transcript NM_182493.3 (MANE Select); coding-DNA position 1427, T replaced by G.
Protein change: p.Met476Arg; replaces methionine 476 with arginine.
Molecular consequence: missense variant.
Genome position (GRCh38, 1-based): chr16:46,732,243, A>C on the plus strand (T>G on the coding strand, the complement: MYLK3 is on the minus strand). VCF-style: chr16-46732243-A-C. GRCh37 (hg19) VCF-style: chr16-46766155-A-C.
Other names: c.404T>G, p.Met135Arg (NM_001308301.1); short protein forms M135R, M476R.
Identifiers: ClinVar variation 1957569 (VCV001957569.5), dbSNP rs2548905815, ClinGen allele CA395791925.